The following is an entry in ClinVar:

ClinVar aggregate classification (germline): Likely benign. Review status: criteria provided, single submitter (1 of 4 stars). 2 submissions from 2 submitters: Likely benign (1). 1 of the submissions does not count toward it. Last evaluated 2023-12-17.

Conditions:
PLXNA4-related disorder. Also called: PLXNA4-related condition.

gnomAD v4.1: 39 of 1,613,986 alleles (0.0024%); highest among the groups gnomAD compares: East Asian, 0.069%; no homozygotes.

Submissions (2):

Ambry Genetics
Classification: Likely benign. Last evaluated: 2023-12-17. Review status: criteria provided, single submitter. Criteria: Ambry Variant Classification Scheme 2023. Collection method: clinical testing. Allele origin: germline.

PreventionGenetics, part of Exact Sciences
Classification: Likely benign for PLXNA4-related condition. Last evaluated: 2024-03-15. Review status: no assertion criteria provided. Collection method: clinical testing. Allele origin: germline. Not counted in ClinVar's aggregate classification.
Comment: This variant is classified as likely benign based on ACMG/AMP sequence variant interpretation guidelines (Richards et al. 2015 PMID: 25741868, with internal and published modifications).

NM_020911.2(PLXNA4):c.1605T>A (p.Thr535=)

Gene: PLXNA4 (plexin A4; minus strand). Cytogenetic location: 7q32.3.
Variant type: single nucleotide variant.
Coding change: c.1605T>A on transcript NM_020911.2 (MANE Select); coding-DNA position 1605, T replaced by A.
Protein change: p.Thr535=; no amino-acid change (threonine 535 retained).
Molecular consequence: synonymous variant.
Genome position (GRCh38, 1-based): chr7:132,228,469, A>T on the plus strand (T>A on the coding strand, the complement: PLXNA4 is on the minus strand). VCF-style: chr7-132228469-A-T. GRCh37 (hg19) VCF-style: chr7-131913228-A-T.
Other names: c.1605T>A, p.Thr535= (NM_001393897.1).
Identifiers: ClinVar variation 3215579 (VCV003215579.2), dbSNP rs752577095, ClinGen allele CA4490072.